The following is an entry in ClinVar:

NM_001330078.2(NRXN1):c.3079T>C (p.Tyr1027His)

Gene: NRXN1 (neurexin 1; minus strand). Cytogenetic location: 2p16.3.
Variant type: single nucleotide variant.
Coding change: c.3079T>C on transcript NM_001330078.2 (MANE Select); coding-DNA position 3079, T replaced by C.
Protein change: p.Tyr1027His; replaces tyrosine 1027 with histidine.
Molecular consequence: missense variant.
Genome position (GRCh38, 1-based): chr2:50,472,463, A>G on the plus strand (T>C on the coding strand, the complement: NRXN1 is on the minus strand). VCF-style: chr2-50472463-A-G. GRCh37 (hg19) VCF-style: chr2-50699601-A-G.
Other names: c.3199T>C, p.Tyr1067His (NM_001135659.3); c.3055T>C, p.Tyr1019His (NM_001330077.2, NM_001330082.2); c.3013T>C, p.Tyr1005His (NM_001330083.2, NM_001330084.2); c.3052T>C, p.Tyr1018His (NM_001330085.2); c.3079T>C, p.Tyr1027His (NM_001330086.2, NM_004801.6); c.2968T>C, p.Tyr990His (NM_001330087.2, NM_001330096.2); c.2998T>C, p.Tyr1000His (NM_001330088.2); c.3076T>C, p.Tyr1026His (NM_001330093.2); and 2 more; short protein forms Y1005H, Y1023H, Y1026H, Y1027H, Y1018H, Y1019H, Y1067H, Y1000H.
Identifiers: ClinVar variation 2809252 (VCV002809252.3), dbSNP rs200146972, ClinGen allele CA47329953.

ClinVar aggregate classification (germline): Uncertain significance (1 of 4 stars; one submission).

Conditions:
Pitt-Hopkins-like syndrome 2 (PTHSL2). Identifiers: Orphanet 221150, Orphanet 600663, MedGen C3280479, MONDO:0013690, OMIM 614325.

Allele frequency attached by ClinVar (database versions not stated): gnomAD exomes 0.00002.
gnomAD v4.1: 15 of 1,610,514 alleles (0.00093%); highest among the groups gnomAD compares: Non-Finnish European, 0.0013%; no homozygotes.

Submission:

Labcorp Genetics (formerly Invitae), Labcorp
Classification: Uncertain significance for Pitt-Hopkins-like syndrome 2. Last evaluated: 2024-10-23. Review status: criteria provided, single submitter. Criteria: Invitae Variant Classification Sherloc (09022015). Collection method: clinical testing. Allele origin: germline.
Comment: This sequence change replaces tyrosine, which is neutral and polar, with histidine, which is basic and polar, at codon 1067 of the NRXN1 protein (p.Tyr1067His). This variant is not present in population databases (gnomAD no frequency). This variant has not been reported in the literature in individuals affected with NRXN1-related conditions. An algorithm developed to predict the effect of missense changes on protein structure and function (PolyPhen-2) suggests that this variant is likely to be disruptive. In summary, the available evidence is currently insufficient to determine the role of this variant in disease. Therefore, it has been classified as a Variant of Uncertain Significance.